The following is an entry in ClinVar:

NM_002137.4(HNRNPA2B1):c.892C>T (p.Pro298Ser)

Gene: HNRNPA2B1 (heterogeneous nuclear ribonucleoprotein A2/B1; minus strand). Cytogenetic location: 7p15.2.
Variant type: single nucleotide variant.
Coding change: c.892C>T on transcript NM_002137.4 (MANE Select); coding-DNA position 892, C replaced by T.
Protein change: p.Pro298Ser; replaces proline 298 with serine.
Molecular consequence: missense variant.
Genome position (GRCh38, 1-based): chr7:26,193,323, G>A on the plus strand (C>T on the coding strand, the complement: HNRNPA2B1 is on the minus strand). VCF-style: chr7-26193323-G-A. GRCh37 (hg19) VCF-style: chr7-26232943-G-A.
Other names: c.928C>T, p.Pro310Ser (NM_031243.4); short protein forms P298S, P310S.
Identifiers: ClinVar variation 2146308 (VCV002146308.4), dbSNP rs1234707634, ClinGen allele CA367072092.

ClinVar aggregate classification (germline): Uncertain significance (1 of 4 stars; one submission).

Conditions:
Inclusion body myopathy with early-onset Paget disease with or without frontotemporal dementia 2 (IBMPFD2). Also called: MULTISYSTEM PROTEINOPATHY 2. Identifiers: MedGen C3809468, MONDO:0014178, OMIM 615422.

gnomAD v4.1: 6 of 1,612,462 alleles (0.00037%); highest among the groups gnomAD compares: Non-Finnish European, 0.00034%; no homozygotes.

Submission:

Labcorp Genetics (formerly Invitae), Labcorp
Classification: Uncertain significance for Inclusion body myopathy with early-onset Paget disease with or without frontotemporal dementia 2. Last evaluated: 2025-10-23. Review status: criteria provided, single submitter. Criteria: Invitae Variant Classification Sherloc (09022015). Collection method: clinical testing. Allele origin: germline.
Comment: This sequence change replaces proline, which is neutral and non-polar, with serine, which is neutral and polar, at codon 310 of the HNRNPA2B1 protein (p.Pro310Ser). This variant is present in population databases (no rsID available, gnomAD 0.0009%). This variant has not been reported in the literature in individuals affected with HNRNPA2B1-related conditions. ClinVar contains an entry for this variant (Variation ID: 2146308). An algorithm developed to predict the effect of missense changes on protein structure and function (PolyPhen-2) suggests that this variant is likely to be tolerated. This variant disrupts the p.Pro310 amino acid residue in HNRNPA2B1. Other variant(s) that disrupt this residue have been determined to be pathogenic (PMID: 28389692, 29358076). This suggests that this residue is clinically significant, and that variants that disrupt this residue are likely to be disease-causing. In summary, the available evidence is currently insufficient to determine the role of this variant in disease. Therefore, it has been classified as a Variant of Uncertain Significance.

Literature cited by the submitters: PubMed 28389692; PubMed 29358076.